The following is an entry in ClinVar:

NM_030665.4(RAI1):c.1A>G (p.Met1Val)

Gene: RAI1 (retinoic acid induced 1; plus strand). Cytogenetic location: 17p11.2.
Variant type: single nucleotide variant.
Coding change: c.1A>G on transcript NM_030665.4 (MANE Select); coding-DNA position 1, A replaced by G.
Protein change: p.Met1Val; changes the start codon (methionine 1).
Molecular consequence: missense variant, initiator codon variant.
Genome position (GRCh38, 1-based): chr17:17,792,949, A>G. VCF-style: chr17-17792949-A-G. GRCh37 (hg19) VCF-style: chr17-17696263-A-G.
Other names: short protein forms M1V.
Identifiers: ClinVar variation 3906282 (VCV003906282.1).
Genomic context (GRCh38, chr17:17,792,949, plus strand): 5'-CTCCCTCCTTCCCTCCCTCCCTCCCTTCCTTTTTCTTTTCACAGATAACCAGCCCGAGTC[A>G]TGCAGTCTTTTCGAGAAAGGTGTGGTTTCCATGGCAAACAACAGAACTACCAGCAGACCT-3'
Protein context (NP_109590.3, residues 1-11): [Met1Val]QSFRERCGFH

ClinVar aggregate classification (germline): Uncertain significance (1 of 4 stars; one submission).

Submission:

GeneDx
Classification: Uncertain significance. Last evaluated: 2024-12-20. Review status: criteria provided, single submitter. Criteria: GeneDx Variant Classification Process June 2021. Collection method: clinical testing. Allele origin: germline. Affected: yes.
Comment: Not observed at significant frequency in large population cohorts (gnomAD); Initiation codon variant in a gene for which loss of function is a known mechanism of disease, however an alternative methionine exists downstream; Has not been previously published as pathogenic or benign to our knowledge.